The following is an entry in ClinVar:

ClinVar aggregate classification (germline): Uncertain significance (1 of 4 stars; one submission).

Allele frequency attached by ClinVar (database versions not stated): TOPMed below 0.00001.
gnomAD v4.1: 2 of 1,613,634 alleles (0.00012%); highest among the groups gnomAD compares: South Asian, 0.0011%; no homozygotes.

Submission:

GeneDx
Classification: Uncertain significance. Last evaluated: 2022-10-23. Review status: criteria provided, single submitter. Criteria: GeneDx Variant Classification Process June 2021. Collection method: clinical testing. Allele origin: germline. Affected: yes.
Comment: Not observed at significant frequency in large population cohorts (gnomAD); In silico analysis supports that this missense variant has a deleterious effect on protein structure/function; Has not been previously published as pathogenic or benign to our knowledge

NM_001128840.3(CACNA1D):c.3956G>A (p.Arg1319His)

Gene: CACNA1D (calcium voltage-gated channel subunit alpha1 D; plus strand). Cytogenetic location: 3p21.1.
Variant type: single nucleotide variant.
Coding change: c.3956G>A on transcript NM_001128840.3 (MANE Select); coding-DNA position 3956, G replaced by A.
Protein change: p.Arg1319His; replaces arginine 1319 with histidine.
Molecular consequence: missense variant.
Genome position (GRCh38, 1-based): chr3:53,770,464, G>A. VCF-style: chr3-53770464-G-A. GRCh37 (hg19) VCF-style: chr3-53804491-G-A.
Other names: c.4016G>A, p.Arg1339His (NM_000720.4); c.3911G>A, p.Arg1304His (NM_001128839.3); short protein forms R1304H, R1319H, R1339H.
Identifiers: ClinVar variation 2499771 (VCV002499771.1), dbSNP rs2095360356, ClinGen allele CA353257452.